The following is an entry in ClinVar:

NM_014625.4(NPHS2):c.378G>C (p.Lys126Asn)

Gene: NPHS2 (NPHS2 stomatin family member, podocin; minus strand). Cytogenetic location: 1q25.2.
Variant type: single nucleotide variant.
Coding change: c.378G>C on transcript NM_014625.4 (MANE Select); coding-DNA position 378, G replaced by C.
Protein change: p.Lys126Asn; replaces lysine 126 with asparagine.
Molecular consequence: missense variant.
Genome position (GRCh38, 1-based): chr1:179,564,690, C>G on the plus strand (G>C on the coding strand, the complement: NPHS2 is on the minus strand). VCF-style: chr1-179564690-C-G. GRCh37 (hg19) VCF-style: chr1-179533825-C-G.
Other names: c.378G>C (NM_014625.3); c.378G>C, p.Lys126Asn (NM_001297575.2); short protein forms K126N.
Identifiers: ClinVar variation 1505928 (VCV001505928.10), dbSNP rs267598208, ClinGen allele CA343570746.

ClinVar aggregate classification (germline): Conflicting classifications of pathogenicity. Review status: criteria provided, conflicting classifications (1 of 4 stars). 3 submissions from 3 submitters: Likely pathogenic (1); Uncertain significance (1). 1 of the submissions does not count toward it. Last evaluated 2025-10-01.

Conditions:
NPHS2-related disorder. Also called: NPHS2-related condition.
Nephrotic syndrome, type 2 (NPHS2). Also called: NEPHROTIC SYNDROME, STEROID-RESISTANT, AUTOSOMAL RECESSIVE. Identifiers: Orphanet 656, MedGen C1868672, MONDO:0010974, OMIM 600995.

gnomAD v4.1: 3 of 1,613,414 alleles (0.00019%); highest among the groups gnomAD compares: South Asian, 0.0033%; no homozygotes.

Submissions (4):

Myriad Genetics, Inc.
Classification: Uncertain significance for Nephrotic syndrome, type 2. Last evaluated: 2025-10-01. Review status: criteria provided, single submitter. Criteria: Myriad Autosomal Dominant, Autosomal Recessive and X-Linked Classification Criteria (2023). Collection method: clinical testing. Allele origin: unknown.
Comment: NM_014625.2(NPHS2):c.378G>C(K126N) is a missense variant classified as a variant of uncertain significance in the context of nephrotic syndrome, NPHS2-related. K126N has been observed in a case with relevant disease (PMID: 22565185). Relevant functional assessments of this variant are not available in the literature. K126N has not been observed in referenced population frequency databases. In summary, there is insufficient evidence to classify NM_014625.2(NPHS2):c.378G>C(K126N) as pathogenic or benign. Please note: this variant was assessed in the context of healthy population screening.

Labcorp Genetics (formerly Invitae), Labcorp
Classification: Likely pathogenic. Last evaluated: 2024-05-20. Review status: criteria provided, single submitter. Criteria: Invitae Variant Classification Sherloc (09022015). Collection method: clinical testing. Allele origin: germline.
Comment: This sequence change replaces lysine, which is basic and polar, with asparagine, which is neutral and polar, at codon 126 of the NPHS2 protein (p.Lys126Asn). This variant also falls at the last nucleotide of exon 2, which is part of the consensus splice site for this exon. This variant is not present in population databases (gnomAD no frequency). This missense change has been observed in individuals with focal segmental glomerulosclerosis and/or infantile case nephrotic syndrome (PMID: 14978175, 17371932, 22565185). ClinVar contains an entry for this variant (Variation ID: 1505928). An algorithm developed to predict the effect of missense changes on protein structure and function (PolyPhen-2) suggests that this variant is likely to be disruptive. Variants that disrupt the consensus splice site are a relatively common cause of aberrant splicing (PMID: 17576681, 9536098). Algorithms developed to predict the effect of sequence changes on RNA splicing suggest that this variant may disrupt the consensus splice site. In summary, the currently available evidence indicates that the variant is pathogenic, but additional data are needed to prove that conclusively. Therefore, this variant has been classified as Likely Pathogenic.

PreventionGenetics, part of Exact Sciences
Classification: Likely pathogenic for NPHS2-related condition. Last evaluated: 2023-11-30. Review status: no assertion criteria provided. Collection method: clinical testing. Allele origin: germline. Not counted in ClinVar's aggregate classification.
Comment: The NPHS2 c.378G>C variant is predicted to result in the amino acid substitution p.Lys126Asn. This variant is also the last nucleotide of the exon and predicted to weaken the canonical donor splice site (Alamut Visual Plus v1.6.1). This variant (c.378G>C) was reported in the homozygous state in a patient with infantile nephrotic syndrome (Abid A et al. 2012. PubMed ID: 22565185). In addition, a different nucleotide change that results in the same amino acid change (c.378G>T, p.Lys126Asn) has been reported in the compound heterozygous and homozygous state in patients with steroid resistant nephrotic syndrome (Ruf RG et al. 2004. PubMed ID: 14978175; Hinkes BG et al. 2007. PubMed ID: 17371932). The c.378G>C variant has not been reported in a large population database, indicating this variant is rare. This variant is interpreted as likely pathogenic.

Dr. Peter K. Rogan Lab, Western University
No classification provided (evidence only). Condition: Ovarian serous cystadenocarcinoma. Review status: no classification provided. Collection method: in vitro. Allele origin: not applicable. Functional consequence: retained intron. Not counted in ClinVar's aggregate classification.

Literature cited by the submitters: PubMed 22565185 (cited by Myriad Genetics, Inc. and Labcorp Genetics (formerly Invitae), Labcorp); PubMed 14978175 (cited by Labcorp Genetics (formerly Invitae), Labcorp); PubMed 17371932 (cited by Labcorp Genetics (formerly Invitae), Labcorp); PubMed 17576681 (cited by Labcorp Genetics (formerly Invitae), Labcorp); PubMed 9536098 (cited by Labcorp Genetics (formerly Invitae), Labcorp).